The following is an entry in ClinVar:

ClinVar aggregate classification (germline): Uncertain significance. Review status: criteria provided, multiple submitters, no conflicts (2 of 4 stars). 2 submissions from 2 submitters: Uncertain significance (2). Last evaluated 2023-10-16.

Allele frequency attached by ClinVar (database versions not stated): gnomAD exomes below 0.00001; TOPMed below 0.00001.
gnomAD v4.1: 1 of 1,614,224 alleles (0.000062%); highest among the groups gnomAD compares: Non-Finnish European, 0.000085%; no homozygotes.

Submissions (2):

Ambry Genetics
Classification: Uncertain significance. Last evaluated: 2023-10-16. Review status: criteria provided, single submitter. Criteria: Ambry Variant Classification Scheme 2023. Collection method: clinical testing. Allele origin: germline.
Comment: The p.M580V variant (also known as c.1738A>G), located in coding exon 10 of the GALNT12 gene, results from an A to G substitution at nucleotide position 1738. The methionine at codon 580 is replaced by valine, an amino acid with highly similar properties. This amino acid position is conserved. In addition, this alteration is predicted to be tolerated by in silico analysis. Since supporting evidence is limited at this time, the clinical significance of this alteration remains unclear.

Labcorp Genetics (formerly Invitae), Labcorp
Classification: Uncertain significance. Last evaluated: 2016-06-17. Review status: criteria provided, single submitter. Criteria: Invitae Variant Classification Sherloc (09022015). Collection method: clinical testing. Allele origin: germline.
Comment: In summary, this variant is a novel missense change that is not predicted to affect protein function. There is no indication that it causes disease, but the available evidence is currently insufficient to prove that conclusively. Therefore, it has been classified as a Variant of Uncertain Significance. Algorithms developed to predict the effect of missense changes on protein structure and function output the following: (SIFT: "Tolerated"; PolyPhen-2: "Benign"; Align-GVGD: "Class C0"). The valine amino acid residue is also found in multiple mammalian species, suggesting that this missense change does not adversely affect protein function. These predictions have not been confirmed by published functional studies. This variant is not present in population databases (ExAC no frequency) and has not been reported in the literature in individuals with a GALNT12-related disease. This sequence change replaces methionine with valine at codon 580 of the GALNT12 protein (p.Met580Val). The methionine residue is weakly conserved and there is a small physicochemical difference between methionine and valine.

NM_024642.5(GALNT12):c.1738A>G (p.Met580Val)

Gene: GALNT12 (polypeptide N-acetylgalactosaminyltransferase 12; plus strand). Cytogenetic location: 9q22.33.
Variant type: single nucleotide variant.
Coding change: c.1738A>G on transcript NM_024642.5 (MANE Select); coding-DNA position 1738, A replaced by G.
Protein change: p.Met580Val; replaces methionine 580 with valine.
Molecular consequence: missense variant.
Genome position (GRCh38, 1-based): chr9:98,849,084, A>G. VCF-style: chr9-98849084-A-G. GRCh37 (hg19) VCF-style: chr9-101611366-A-G.
Other names: short protein forms M580V.
Identifiers: ClinVar variation 410581 (VCV000410581.12), dbSNP rs1060502966, ClinGen allele CA16612905.